The following is an entry in ClinVar:

NM_001010874.5(TECRL):c.547G>T (p.Val183Leu)

Gene: TECRL (trans-2,3-enoyl-CoA reductase like; minus strand). Cytogenetic location: 4q13.1.
Variant type: single nucleotide variant.
Coding change: c.547G>T on transcript NM_001010874.5 (MANE Select); coding-DNA position 547, G replaced by T.
Protein change: p.Val183Leu; replaces valine 183 with leucine.
Molecular consequence: missense variant.
Genome position (GRCh38, 1-based): chr4:64,314,652, C>A on the plus strand (G>T on the coding strand, the complement: TECRL is on the minus strand). VCF-style: chr4-64314652-C-A. GRCh37 (hg19) VCF-style: chr4-65180370-C-A.
Other names: c.547G>T, p.Val183Leu (NM_001363796.1); short protein forms V183L.
Identifiers: ClinVar variation 4826316 (VCV004826316.1).

ClinVar aggregate classification (germline): Uncertain significance (1 of 4 stars; one submission).

Conditions:
Cardiovascular phenotype. Identifiers: MedGen CN230736.

Submission:

Ambry Genetics
Classification: Uncertain significance for Cardiovascular phenotype. Last evaluated: 2026-03-11. Review status: criteria provided, single submitter. Criteria: Ambry Variant Classification Scheme 2023. Collection method: clinical testing. Allele origin: germline.
Comment: The p.V183L variant (also known as c.547G>T), located in coding exon 5 of the TECRL gene, results from a G to T substitution at nucleotide position 547. The valine at codon 183 is replaced by leucine, an amino acid with highly similar properties. This amino acid position is conserved. In addition, the in silico prediction for this alteration is inconclusive. Based on the available evidence, the clinical significance of this variant remains unclear.